The following is an entry in ClinVar:

NM_033380.3(COL4A5):c.1340G>A (p.Ser447Asn)

Gene: COL4A5 (collagen type IV alpha 5 chain; plus strand). Cytogenetic location: Xq22.3.
Variant type: single nucleotide variant.
Coding change: c.1340G>A on transcript NM_033380.3 (MANE Select); coding-DNA position 1340, G replaced by A.
Protein change: p.Ser447Asn; replaces serine 447 with asparagine.
Molecular consequence: missense variant.
Genome position (GRCh38, 1-based): chrX:108,591,561, G>A. VCF-style: chrX-108591561-G-A. GRCh37 (hg19) VCF-style: chrX-107834791-G-A.
Other names: c.1340G>A, p.Ser447Asn (NM_000495.5); short protein forms S447N.
Identifiers: ClinVar variation 3495521 (VCV003495521.3).
Genomic context (GRCh38, chrX:108,591,561, plus strand): 5'-TTTGTTTAATCTTCTGGATATTTCACAATTAGCTTGCTATCCTTTCTTTATCTTACTCAG[G>A]TGATGAGATATGTGAACCAGGCCCTCCAGGCCCCCCAGGATCTCCAGGTGATAAAGGACT-3'
Protein context (NP_203699.1, residues 437-457): PGPAGPHIPP[Ser447Asn]DEICEPGPPG

ClinVar aggregate classification (germline): Uncertain significance. Review status: criteria provided, multiple submitters, no conflicts (2 of 4 stars). 2 submissions from 2 submitters: Uncertain significance (2). Last evaluated 2024-11-27.

Conditions:
Inborn genetic diseases. Identifiers: MedGen C0950123, MeSH D030342.

gnomAD v4.1: 4 of 1,188,351 alleles (0.00034%); highest among the groups gnomAD compares: South Asian, 0.0018%; no homozygotes.

Submissions (2):

Labcorp Genetics (formerly Invitae), Labcorp
Classification: Uncertain significance. Last evaluated: 2024-11-27. Review status: criteria provided, single submitter. Criteria: Invitae Variant Classification Sherloc (09022015). Collection method: clinical testing. Allele origin: germline.
Comment: This sequence change replaces serine, which is neutral and polar, with asparagine, which is neutral and polar, at codon 447 of the COL4A5 protein (p.Ser447Asn). This variant is present in population databases (no rsID available, gnomAD 0.003%), including at least one homozygous and/or hemizygous individual. This variant has not been reported in the literature in individuals affected with COL4A5-related conditions. An algorithm developed to predict the effect of missense changes on protein structure and function outputs the following: PolyPhen-2: "Not Available". The asparagine amino acid residue is found in multiple mammalian species, which suggests that this missense change does not adversely affect protein function. In summary, the available evidence is currently insufficient to determine the role of this variant in disease. Therefore, it has been classified as a Variant of Uncertain Significance.

Ambry Genetics
Classification: Uncertain significance for Inborn genetic diseases. Last evaluated: 2024-09-09. Review status: criteria provided, single submitter. Criteria: Ambry Variant Classification Scheme 2023. Collection method: clinical testing. Allele origin: germline.